The following is an entry in ClinVar:

NM_015156.4(RCOR1):c.757C>G (p.Gln253Glu)

Genes: RCOR1 (REST corepressor 1; plus strand), LOC126862063 (MED14-independent group 3 enhancer GRCh37_chr14:103174038-103175237; plus strand). Cytogenetic location: 14q32.32.
Variant type: single nucleotide variant.
Coding change: c.757C>G on transcript NM_015156.4 (MANE Select); coding-DNA position 757, C replaced by G.
Protein change: p.Gln253Glu; replaces glutamine 253 with glutamic acid.
Molecular consequence: missense variant.
Genome position (GRCh38, 1-based): chr14:102,708,561, C>G. VCF-style: chr14-102708561-C-G. GRCh37 (hg19) VCF-style: chr14-103174898-C-G.
Other names: short protein forms Q253E.
Identifiers: ClinVar variation 4775184 (VCV004775184.1).

ClinVar aggregate classification (germline): Uncertain significance (1 of 4 stars; one submission).

Submission:

Labcorp Genetics (formerly Invitae), Labcorp
Classification: Uncertain significance. Last evaluated: 2025-07-27. Review status: criteria provided, single submitter. Criteria: Invitae Variant Classification Sherloc (09022015). Collection method: clinical testing. Allele origin: germline.
Comment: This sequence change replaces glutamine, which is neutral and polar, with glutamic acid, which is acidic and polar, at codon 253 of the RCOR1 protein (p.Gln253Glu). This variant is not present in population databases (gnomAD no frequency). This variant has not been reported in the literature in individuals affected with RCOR1-related conditions. An algorithm developed to predict the effect of missense changes on protein structure and function (PolyPhen-2) suggests that this variant is likely to be disruptive. In summary, the available evidence is currently insufficient to determine the role of this variant in disease. Therefore, it has been classified as a Variant of Uncertain Significance.